The following is an entry in ClinVar:

ClinVar aggregate classification (germline): Conflicting classifications of pathogenicity. Review status: criteria provided, conflicting classifications (1 of 4 stars). 7 submissions from 7 submitters: Uncertain significance (5); Likely benign (2). Last evaluated 2026-09-03.

Conditions:
RP1L1-related disorder. Also called: RP1L1-related condition.
Occult macular dystrophy (OCMD). Also called: OCCULT MACULAR DYSTROPHY, SUSCEPTIBILITY TO; OMD. Identifiers: Orphanet 247834, MedGen C3150833, MONDO:0013316, OMIM 613587, HP:0030636.
Retinitis pigmentosa 88. Identifiers: MedGen C5394208, MONDO:0032940, OMIM 618826.
Retinal dystrophy. Also called: Inherited retinal dystrophy. Identifiers: Orphanet 71862, MedGen C0854723, MeSH D058499, MONDO:0019118, HP:0000556.

Allele frequency attached by ClinVar (database versions not stated): 1000 Genomes Project 30x 0.00016; gnomAD exomes 0.00038 and 0.00068; ExAC 0.00039; TOPMed 0.00055; gnomAD 0.00057.
gnomAD v4.1: 1,036 of 1,610,434 alleles (0.064%); highest among the groups gnomAD compares: Non-Finnish European, 0.084%; 1 homozygote.

Submissions (7):

PreventionGenetics, part of Exact Sciences
Classification: Uncertain significance for RP1L1-related condition. Last evaluated: 2026-09-03. Review status: criteria provided, single submitter. Criteria: ACMG Guidelines, 2015. Collection method: clinical testing. Allele origin: germline.
Comment: The RP1L1 c.3200G>C variant is predicted to result in the amino acid substitution p.Gly1067Ala. This variant was reported in an individual with retinal disease (Davidson et al. 2013. PubMed ID: 23281133). However, this variant is reported in 0.076% of alleles in individuals of European (Non-Finnish) descent in gnomAD, which may be too frequent to be a primary cause of disease. Although we suspect that this variant may be benign, at this time, the clinical significance of this variant is uncertain due to the absence of conclusive functional and genetic evidence.

CeGaT Center for Human Genetics Tuebingen
Classification: Likely benign. Last evaluated: 2025-04-01. Review status: criteria provided, single submitter. Criteria: CeGaT Center For Human Genetics Tuebingen Variant Classification Criteria Version 2. Collection method: clinical testing. Allele origin: germline. Affected: yes. Observed: 1 variant allele.
Comment: RP1L1: BP4

Blueprint Genetics
Classification: Likely benign. Last evaluated: 2024-11-13. Review status: criteria provided, single submitter. Criteria: ACMG Guidelines, 2015. Collection method: clinical testing. Allele origin: germline.

Institute of Human Genetics, Univ. Regensburg, Univ. Regensburg
Classification: Uncertain significance for Retinal dystrophy. Last evaluated: 2022-01-01. Review status: criteria provided, single submitter. Criteria: ACMG Guidelines, 2015. Collection method: clinical testing. Allele origin: germline. Affected: yes.

GeneDx
Classification: Uncertain significance. Last evaluated: 2021-05-27. Review status: criteria provided, single submitter. Criteria: GeneDx Variant Classification Process June 2021. Collection method: clinical testing. Allele origin: germline. Affected: yes.
Comment: In silico analysis supports that this missense variant does not alter protein structure/function; Observed in an individual with retinal disease, however additional information was not provided (Davidson et al., 2013); This variant is associated with the following publications: (PMID: 23281133)

Illumina Laboratory Services, Illumina
Classification: Uncertain significance for Occult macular dystrophy. Last evaluated: 2017-04-27. Review status: criteria provided, single submitter. Criteria: ICSL Variant Classification Criteria 13 December 2019. Collection method: clinical testing. Allele origin: germline.
Comment: This variant was observed as part of a predisposition screen in an ostensibly healthy population. A literature search was performed for the gene, cDNA change, and amino acid change (where applicable). Publications were found based on this search. However, the evidence from the literature, in combination with allele frequency data from public databases where available, was not sufficient to rule this variant in or out of causing disease. Therefore, this variant is classified as a variant of unknown significance.

Eurofins Ntd Llc (ga)
Classification: Uncertain significance. Last evaluated: 2015-10-01. Review status: criteria provided, single submitter. Criteria: EGL Classification Definitions 2015. Collection method: clinical testing. Allele origin: germline. Observed: 1 variant allele, 1 heterozygote.

Literature cited by the submitters: PubMed 23281133 (cited by Institute of Human Genetics, Univ. Regensburg, Univ. Regensburg and Illumina Laboratory Services, Illumina).

NM_178857.6(RP1L1):c.3200G>C (p.Gly1067Ala)

Gene: RP1L1 (RP1 like 1). Cytogenetic location: 8p23.1.
Variant type: single nucleotide variant.
Coding change: c.3200G>C on transcript NM_178857.6 (MANE Select); coding-DNA position 3200, G replaced by C.
Protein change: p.Gly1067Ala; replaces glycine 1067 with alanine.
Molecular consequence: missense variant.
Genome position (GRCh38, 1-based): chr8:10,610,898, C>G on the plus strand (G>C on the coding strand, the complement: RP1L1 is on the minus strand). VCF-style: chr8-10610898-C-G. GRCh37 (hg19) VCF-style: chr8-10468408-C-G.
Other names: short protein forms G1067A.
Identifiers: ClinVar variation 283503 (VCV000283503.21), dbSNP rs201393573, ClinGen allele CA4624572.
Genomic context (GRCh38, chr8:10,610,898, plus strand): 5'-CTCATGATCTGCGTGGAGGCAGACACCCGGCCAGGAAGTGCCCGCAGGCTCACCCTGCAG[C>G]CTGCTGGGGCCTCTCTGTCTGCTCCGGCCTCTGCAGGGGCCTCGGAAACTCCCTCTGGAG-3'
Protein context (NP_849188.4, residues 1057-1077): EAGADREAPA[Gly1067Ala]CRVSLRALPG